The following is an entry in ClinVar:

NM_000277.3(PAH):c.721C>T (p.Arg241Cys)

Gene: PAH (phenylalanine hydroxylase; minus strand). Cytogenetic location: 12q23.2.
Variant type: single nucleotide variant.
Coding change: c.721C>T on transcript NM_000277.3 (MANE Select); coding-DNA position 721, C replaced by T.
Protein change: p.Arg241Cys; replaces arginine 241 with cysteine.
Molecular consequence: missense variant.
Genome position (GRCh38, 1-based): chr12:102,852,936, G>A on the plus strand (C>T on the coding strand, the complement: PAH is on the minus strand). VCF-style: chr12-102852936-G-A. GRCh37 (hg19) VCF-style: chr12-103246714-G-A.
Other names: p.R241C:CGC>TGC; NM_000277.1(PAH):c.721C>T; c.721C>T, p.Arg241Cys (NM_001354304.2); c.721C>T (NM_000277.2); short protein forms R241C.
Identifiers: ClinVar variation 102803 (VCV000102803.70), dbSNP rs76687508, ClinGen allele CA273357.

ClinVar aggregate classification (germline): Pathogenic. Review status: reviewed by expert panel (3 of 4 stars). 21 submissions from 21 submitters: Pathogenic (1). 20 of the submissions do not count toward it. Last evaluated 2018-08-10.

Conditions:
PAH-related disorder. Also called: PAH-related condition.
Phenylketonuria (PKU). Also called: OLIGOPHRENIA PHENYLPYRUVICA; Phenylketonurias; Phenylketonuria (PKU); FOLLING DISEASE. Identifiers: Orphanet 716, MedGen C0031485, MONDO:0009861, OMIM 261600. Disease mechanism: loss of function.

Allele frequency attached by ClinVar (database versions not stated): gnomAD exomes 0.00004 and 0.00014; gnomAD 0.00009; ExAC 0.00014; TOPMed 0.00015.

Submissions 1 to 12 of 21:

ClinGen PAH Variant Curation Expert Panel
Classification: Pathogenic for Phenylketonuria. Last evaluated: 2018-08-10. Review status: reviewed by expert panel. Criteria: ClinGen PAH ACMG Specifications v1. Collection method: curation. Allele origin: germline. Inheritance: Autosomal recessive inheritance.
Comment: PAH-specific ACMG/AMP criteria applied: PM2: Extremely low frequency in ExAC (0.00014) and gnomAD (0.0001301); PP3: Deleterious effect predicted in SIFT, PolyPhen2, MutationTaster; PP4_Moderate: Seen in multiple PKU patients. BH4 deficiency excluded in 2 patients. Upgraded per ClinGen Metabolic Workgroup. (PMID:8222245; PMID:11142755); PM3_Strong: R241C seen once in trans with R413P, and once with R243Q, both pathogenic. Upgraded per ClinGen SVI Workgroup. (PMID:11142755); PS3: In vitro PAH R241C mutant was found to have 25% PAH activity of normal. In vivo phenylalanine breath test measured a decreased level in R241C homozygote. (PMID:15319459; PMID:7915167). In summary this variant meets criteria to be classified as pathogenic for phenylketonuria in an autosomal recessive manner based on the ACMG/AMP criteria applied as specified by the PAH Expert Panel: (PM2, PP3, PP4_Moderate, PM3_Strong, PS3).

Labcorp Genetics (formerly Invitae), Labcorp
Classification: Pathogenic for Phenylketonuria. Last evaluated: 2026-01-20. Review status: criteria provided, single submitter. Criteria: Invitae Variant Classification Sherloc (09022015). Collection method: clinical testing. Allele origin: germline. Not counted in ClinVar's aggregate classification.
Comment: This sequence change replaces arginine, which is basic and polar, with cysteine, which is neutral and slightly polar, at codon 241 of the PAH protein (p.Arg241Cys). This variant is present in population databases (rs76687508, gnomAD 0.1%). This missense change has been observed in individuals with PAH-related diseases (PMID: 8222245, 11486900, 14681498, 18985011, 19915519, 24368688, 26322415; internal data). It has also been observed to segregate with disease in related individuals. ClinVar contains an entry for this variant (Variation ID: 102803). Invitae Evidence Modeling of protein sequence and biophysical properties (such as structural, functional, and spatial information, amino acid conservation, physicochemical variation, residue mobility, and thermodynamic stability) indicates that this missense variant is not expected to disrupt PAH protein function with a negative predictive value of 80%. Experimental studies have shown that this missense change affects PAH function (PMID: 16253218). For these reasons, this variant has been classified as Pathogenic.

Dasa
Classification: Pathogenic. Last evaluated: 2025-12-11. Review status: criteria provided, single submitter. Criteria: DASA Assertion Criteria. Collection method: clinical testing. Allele origin: germline. Not counted in ClinVar's aggregate classification.
Comment: NM_000277.3(PAH):c.721C>T (p.Arg241Cys) is a missense variant that results in the substitution of arginine with cysteine. Functional evidence supports a deleterious effect on the gene or gene product (PMID: 31720228; PMID: 33803550; PMID: 34828281; PMID: 35690318; PMID: 39093767). This variant has been recurrently observed in individuals with related phenotype (PMID: 31720228; PMID: 33803550; PMID: 34828281; PMID: 35690318; PMID: 39093767). Multiple computational predictions support a deleterious effect on the gene or gene product. The variant is present at low frequency in population datasets. Based on the available data, this variant is classified as pathogenic.

Natera, Inc.
Classification: Pathogenic for Phenylketonuria. Last evaluated: 2025-07-23. Review status: criteria provided, single submitter. Criteria: Natera Variant Classification Schema (03/2026). Collection method: clinical testing. Allele origin: germline. Not counted in ClinVar's aggregate classification.
Comment: The c.721C>T variant in PAH is a missense variant predicted to cause substitution of arginine to cysteine at amino acid 241. This variant is rare in the general population with a frequency below the threshold expected for the associated phenotype(s). This variant has been observed in one or more individuals affected with the associated recessive disease, as either homozygous or compound heterozygous with a second variant (PMID: 24705691). Computational prediction algorithms indicate this variant is likely to affect gene or protein function. Given the available evidence, this variant is classified as Pathogenic.

Quest Diagnostics Nichols Institute San Juan Capistrano
Classification: Pathogenic. Last evaluated: 2025-06-03. Review status: criteria provided, single submitter. Criteria: Quest Diagnostics criteria. Collection method: clinical testing. Allele origin: unknown. Not counted in ClinVar's aggregate classification.
Comment: The PAH c.721C>T (p.Arg241Cys) variant (also known as R241C) has been reported in the published literature in many individuals affected with phenylketonuria (PKU), including milder forms (PMID: 31720228 (2019), 33803550 (2021), 34828281 (2021), 35690318 (2022), 39093767 (2024), 39670100 (2024)). Functional studies have observed this variant to retain 25-57% activity compared to the wild type (PMID: 7915167 (1994), 30037505 (2018)). The frequency of this variant in the general population (Genome Aggregation Database) is consistent with pathogenicity. Based on the available information, this variant is classified as pathogenic.

Revvity Omics, Revvity
Classification: Pathogenic for Phenylketonuria. Last evaluated: 2025-05-28. Review status: criteria provided, single submitter. Criteria: ACMG Guidelines, 2015. Collection method: clinical testing. Allele origin: germline. Not counted in ClinVar's aggregate classification.

CeGaT Center for Human Genetics Tuebingen
Classification: Pathogenic. Last evaluated: 2024-03-01. Review status: criteria provided, single submitter. Criteria: CeGaT Center For Human Genetics Tuebingen Variant Classification Criteria Version 2. Collection method: clinical testing. Allele origin: germline. Affected: yes. Observed: 4 variant alleles. Not counted in ClinVar's aggregate classification.
Comment: PAH: PM3:Very Strong, PM2, PM5, PP3, PP4, PS3:Supporting

Laboratory of Medical Genetics, National & Kapodistrian University of Athens
Classification: Pathogenic for Phenylketonuria. Last evaluated: 2024-02-01. Review status: criteria provided, single submitter. Criteria: ACMG Guidelines, 2015. Collection method: curation. Allele origin: germline. Affected: no. Not counted in ClinVar's aggregate classification.

3billion
Classification: Pathogenic for Phenylketonuria. Last evaluated: 2022-09-01. Review status: criteria provided, single submitter. Criteria: ACMG Guidelines, 2015. Collection method: clinical testing. Allele origin: germline. Affected: yes. Observed: 1 homozygote. Not counted in ClinVar's aggregate classification.
Comment: The variant is observed at an extremely low frequency in the gnomAD v2.1.1 dataset (total allele frequency: 0.014%). Missense changes are a common disease-causing mechanism. Functional studies provide strong evidence of the variant having a damaging effect on the gene or gene product (PMID: 15319459 , 7915167). In silico tool predictions suggest damaging effect of the variant on gene or gene product (REVEL: 0.86; 3Cnet: 0.99). The variant has been reported to be in trans with a pathogenic variant as either compound heterozygous or homozygous in at least 2 similarly affected unrelated individuals (PMID: 11142755). A different missense change at the same codon (p.Arg241His) has been reported as pathogenic/likely pathogenic with strong evidence (ClinVar ID: VCV000102804). Therefore, this variant is classified as Pathogenic according to the recommendation of ACMG/AMP guideline.

GeneDx
Classification: Pathogenic. Last evaluated: 2022-03-10. Review status: criteria provided, single submitter. Criteria: GeneDx Variant Classification Process June 2021. Collection method: clinical testing. Allele origin: germline. Affected: yes. Not counted in ClinVar's aggregate classification.
Comment: Associated with mild hyperphenylalaninemia or mild phenylketonuria (PKU), although it has also been reported in an individual with classic PKU (Chien et al., 2004; Lee et al., 2008; Liang et al., 2014); R241C is associated with reduced residual PAH enzyme activity (Liang et al., 2014); In silico analysis supports that this missense variant has a deleterious effect on protein structure/function; This variant is associated with the following publications: (PMID: 11486900, 25750018, 9860305, 18985011, 9634518, 8222245, 14722928, 27264808, 29499199, 29317692, 11243094, 29961769, 30678510, 30747360, 30275481, 34426522, 33677757, 32668217, 32778825, 30037505, 17935162, 24401910, 31053953)

Fulgent Genetics
Classification: Pathogenic for Phenylketonuria. Last evaluated: 2021-12-22. Review status: criteria provided, single submitter. Criteria: ACMG Guidelines, 2015. Collection method: clinical testing. Allele origin: unknown. Not counted in ClinVar's aggregate classification.

Eurofins Ntd Llc (ga)
Classification: Pathogenic. Last evaluated: 2016-07-28. Review status: criteria provided, single submitter. Criteria: EGL Classification Definitions 2015. Collection method: clinical testing. Allele origin: germline. Observed: 4 variant alleles, 4 heterozygotes. Not counted in ClinVar's aggregate classification.